The following is an entry in ClinVar:

ClinVar aggregate classification (germline): Pathogenic (1 of 4 stars; one submission).

Conditions:
DICER1-related tumor predisposition. Also called: DICER1-related pleuropulmonary blastoma cancer predisposition syndrome; DICER1 syndrome. Identifiers: Orphanet 284343, MedGen C3839822, MONDO:0100216.

Submission:

Foulkes Cancer Genetics LDI, Lady Davis Institute for Medical Research
Classification: Pathogenic for Pleuropulmonary blastoma. Last evaluated: 2019-07-01. Review status: criteria provided, single submitter. Criteria: ACMG Guidelines, 2015. Collection method: curation. Allele origin: somatic. Affected: yes. Observed: 1 variant allele.
Comment: ACMG criteria met: PS3, PM1, PM2, PM7, PP3, PP4, BP1

NM_177438.3(DICER1):c.5125_5126delinsTG (p.Asp1709Cys)

Gene: DICER1 (dicer 1, ribonuclease III; minus strand). Cytogenetic location: 14q32.13.
Variant type: Indel.
Coding change: c.5125_5126delinsTG on transcript NM_177438.3 (MANE Select); coding-DNA positions 5125 to 5126, GA replaced by TG.
Protein change: p.Asp1709Cys; replaces aspartic acid 1709 with cysteine.
Molecular consequence: missense variant.
Genome position (GRCh38, 1-based): chr14:95,094,126-95,094,127, TC replaced by CA on the plus strand (GA replaced by TG on the coding strand, the reverse complement: DICER1 is on the minus strand). VCF-style: chr14-95094126-TC-CA. GRCh37 (hg19) VCF-style: chr14-95560463-TC-CA.
Other names: c.5125_5126delinsTG, p.Asp1709Cys (NM_001195573.1, NM_001271282.3, NM_001291628.2 and 1 more transcripts); short protein forms D1709C.
Identifiers: ClinVar variation 932992 (VCV000932992.3), dbSNP rs1890099387, ClinGen allele CA1139663693.